The following is an entry in ClinVar:

ClinVar aggregate classification (germline): Uncertain significance (1 of 4 stars; one submission).

gnomAD v4.1: 4 of 1,613,562 alleles (0.00025%); highest among the groups gnomAD compares: Non-Finnish European, 0.00025%; no homozygotes.

Submission:

Labcorp Genetics (formerly Invitae), Labcorp
Classification: Uncertain significance. Last evaluated: 2025-10-21. Review status: criteria provided, single submitter. Criteria: Invitae Variant Classification Sherloc (09022015). Collection method: clinical testing. Allele origin: germline.
Comment: This sequence change replaces aspartic acid, which is acidic and polar, with asparagine, which is neutral and polar, at codon 468 of the RASGRP2 protein (p.Asp468Asn). This variant is present in population databases (no rsID available, gnomAD 0.0009%). This variant has not been reported in the literature in individuals affected with RASGRP2-related conditions. Invitae Evidence Modeling of protein sequence and biophysical properties (such as structural, functional, and spatial information, amino acid conservation, physicochemical variation, residue mobility, and thermodynamic stability) indicates that this missense variant is not expected to disrupt RASGRP2 protein function with a negative predictive value of 80%. In summary, the available evidence is currently insufficient to determine the role of this variant in disease. Therefore, it has been classified as a Variant of Uncertain Significance.

NM_001098671.2(RASGRP2):c.1402G>A (p.Asp468Asn)

Gene: RASGRP2 (RAS guanyl releasing protein 2; minus strand). Cytogenetic location: 11q13.1.
Variant type: single nucleotide variant.
Coding change: c.1402G>A on transcript NM_001098671.2 (MANE Select); coding-DNA position 1402, G replaced by A.
Protein change: p.Asp468Asn; replaces aspartic acid 468 with asparagine.
Molecular consequence: missense variant.
Genome position (GRCh38, 1-based): chr11:64,735,122, C>T on the plus strand (G>A on the coding strand, the complement: RASGRP2 is on the minus strand). VCF-style: chr11-64735122-C-T. GRCh37 (hg19) VCF-style: chr11-64502594-C-T.
Other names: c.1402G>A, p.Asp468Asn (NM_001098670.2, NM_001440690.1, NM_001440691.1 and 9 more transcripts); c.967G>A, p.Asp323Asn (NM_001318398.2); c.1399G>A, p.Asp467Asn (NM_001440700.1, NM_001440701.1, NM_001440702.1); c.1489G>A, p.Asp497Asn (NM_001440703.1, NM_001440704.1); c.1486G>A, p.Asp496Asn (NM_001440705.1); short protein forms D468N, D497N, D496N, D323N, D467N.
Identifiers: ClinVar variation 4769784 (VCV004769784.1).